The following is an entry in ClinVar:

ClinVar aggregate classification (germline): Uncertain significance. Review status: criteria provided, multiple submitters, no conflicts (2 of 4 stars). 3 submissions from 3 submitters: Uncertain significance (3). Last evaluated 2025-10-13.

Conditions:
Hereditary cancer-predisposing syndrome. Also called: Hereditary neoplastic syndrome; Tumor predisposition; Neoplastic Syndromes, Hereditary; Hereditary Cancer Syndrome. Identifiers: Orphanet 140162, MedGen C0027672, MeSH D009386, MONDO:0015356.
Fanconi anemia complementation group O. Also called: RAD51C-Related Fanconi Anemia. Identifiers: Orphanet 84, MedGen C3150653, MONDO:0013248, OMIM 613390.

Submissions (3):

Labcorp Genetics (formerly Invitae), Labcorp
Classification: Uncertain significance for Fanconi anemia complementation group O. Last evaluated: 2025-10-13. Review status: criteria provided, single submitter. Criteria: Invitae Variant Classification Sherloc (09022015). Collection method: clinical testing. Allele origin: germline.
Comment: This sequence change replaces glycine, which is neutral and non-polar, with aspartic acid, which is acidic and polar, at codon 113 of the RAD51C protein (p.Gly113Asp). This variant is not present in population databases (gnomAD no frequency). This variant has not been reported in the literature in individuals affected with RAD51C-related conditions. ClinVar contains an entry for this variant (Variation ID: 961824). Invitae Evidence Modeling of protein sequence and biophysical properties (such as structural, functional, and spatial information, amino acid conservation, physicochemical variation, residue mobility, and thermodynamic stability) has been performed for this missense variant. However, the output from this modeling did not meet the statistical confidence thresholds required to predict the impact of this variant on RAD51C protein function. In summary, the available evidence is currently insufficient to determine the role of this variant in disease. Therefore, it has been classified as a Variant of Uncertain Significance.

Color Diagnostics, LLC DBA Color Health
Classification: Uncertain significance for Hereditary cancer-predisposing syndrome. Last evaluated: 2024-06-12. Review status: criteria provided, single submitter. Criteria: ACMG Guidelines, 2015. Collection method: clinical testing. Allele origin: germline.
Comment: This missense variant replaces glycine with aspartic acid at codon 113 of the RAD51C protein. Computational prediction suggests that this variant may have deleterious impact on protein structure and function (internally defined REVEL score threshold >= 0.7, PMID: 27666373). To our knowledge, functional studies have not been reported for this variant. This variant has not been reported in individuals affected with RAD51C-related disorders in the literature. This variant has not been identified in the general population by the Genome Aggregation Database (gnomAD). The available evidence is insufficient to determine the role of this variant in disease conclusively. Therefore, this variant is classified as a Variant of Uncertain Significance.

Ambry Genetics
Classification: Uncertain significance for Hereditary cancer-predisposing syndrome. Last evaluated: 2022-03-16. Review status: criteria provided, single submitter. Criteria: Ambry Variant Classification Scheme 2023. Collection method: clinical testing. Allele origin: germline.
Comment: The p.G113D variant (also known as c.338G>A), located in coding exon 2 of the RAD51C gene, results from a G to A substitution at nucleotide position 338. The glycine at codon 113 is replaced by aspartic acid, an amino acid with similar properties. This amino acid position is conserved. In addition, this alteration is predicted to be deleterious by in silico analysis. Since supporting evidence is limited at this time, the clinical significance of this alteration remains unclear.

NM_058216.3(RAD51C):c.338G>A (p.Gly113Asp)

Gene: RAD51C (RAD51 paralog C; plus strand). Cytogenetic location: 17q22.
Variant type: single nucleotide variant.
Coding change: c.338G>A on transcript NM_058216.3 (MANE Select); coding-DNA position 338, G replaced by A.
Protein change: p.Gly113Asp; replaces glycine 113 with aspartic acid.
Molecular consequence: missense variant. On other transcripts: non-coding transcript variant (2).
Genome position (GRCh38, 1-based): chr17:58,695,123, G>A. VCF-style: chr17-58695123-G-A. GRCh37 (hg19) VCF-style: chr17-56772484-G-A.
Other names: c.338G>A, p.Gly113Asp (NM_002876.4); short protein forms G113D.
Identifiers: ClinVar variation 961824 (VCV000961824.13), dbSNP rs2047954937, ClinGen allele CA400341407.